The following is an entry in ClinVar:

NM_001287491.2(TET3):c.3113A>G (p.Gln1038Arg)

Gene: TET3 (tet methylcytosine dioxygenase 3; plus strand). Cytogenetic location: 2p13.1.
Variant type: single nucleotide variant.
Coding change: c.3113A>G on transcript NM_001287491.2 (MANE Select); coding-DNA position 3113, A replaced by G.
Protein change: p.Gln1038Arg; replaces glutamine 1038 with arginine.
Molecular consequence: missense variant.
Genome position (GRCh38, 1-based): chr2:74,092,975, A>G. VCF-style: chr2-74092975-A-G. GRCh37 (hg19) VCF-style: chr2-74320102-A-G.
Other names: c.2834A>G, p.Gln945Arg (NM_001366022.1); short protein forms Q1038R, Q945R.
Identifiers: ClinVar variation 4818992 (VCV004818992.1).

ClinVar aggregate classification (germline): Uncertain significance (1 of 4 stars; one submission).

Conditions:
Beck-Fahrner syndrome (BEFAHRS). Identifiers: Orphanet 684216, MedGen C5394097, MONDO:0032922, OMIM 618798.

Submission:

Victorian Clinical Genetics Services, Murdoch Childrens Research Institute
Classification: Uncertain significance for Beck-Fahrner syndrome. Last evaluated: 2026-01-20. Review status: criteria provided, single submitter. Criteria: ACMG Guidelines, 2015. Collection method: clinical testing. Allele origin: germline. Affected: yes.
Comment: This variant is classified as VUS-3B. Evidence in support of pathogenic classification: Variant is absent from gnomAD (v2, v3 and v4). Evidence in support of benign classification: Missense variant predicted to be tolerated by in silico tool(s) or not conserved in placental mammals with a minor amino acid change. Additional information: Variant is predicted to result in a missense amino acid change from Gln to Arg; This variant is heterozygous; This gene is associated with both recessive and dominant disease. There is currently no established genotype-phenotype correlation; however, null variants have only been reported in autosomal dominant families. It has also been noted that both monoallelic and biallelic probands are phenotypically similar (PMID: 31928709, 34719681). It should be noted that ClinGen have curated the autosomal recessive association as limited. - This variant has no previous evidence of pathogenicity; No published evidence of segregation with disease has been identified for this variant; No published functional evidence has been identified for this variant; No comparable missense variants have previous evidence for pathogenicity; Variant is located in the annotated Tet_JBP domain (DECIPHER); Loss of function is a known mechanism of disease in this gene and is associated with Beck-Fahrner syndrome (MIM#618798). While biallelic missense variants have been functionally proven to be hypomorphic, dominant negative could not be excluded as the mechanism for monoallelic variants (PMID: 31928709); The condition associated with this gene has incomplete penetrance. In a biallelic family, carrier parents were reported to be clinically healthy (PMID: 34719681); Inheritance information for this variant is not currently available in this individual.

Literature cited by the submitters: PubMed 34719681; PubMed 31928709.